The following is an entry in ClinVar:

ClinVar aggregate classification (germline): Uncertain significance (1 of 4 stars; one submission).

Conditions:
Combined immunodeficiency due to MALT1 deficiency. Also called: Immunodeficiency 12. Identifiers: Orphanet 397964, MedGen C3809583, MONDO:0014197, OMIM 615468.

gnomAD v4.1: 2 of 1,570,726 alleles (0.00013%); highest among the groups gnomAD compares: Non-Finnish European, 0.00017%; no homozygotes.

Submission:

Labcorp Genetics (formerly Invitae), Labcorp
Classification: Uncertain significance for Combined immunodeficiency due to MALT1 deficiency. Last evaluated: 2022-03-02. Review status: criteria provided, single submitter. Criteria: Invitae Variant Classification Sherloc (09022015). Collection method: clinical testing. Allele origin: germline.
Comment: In summary, the available evidence is currently insufficient to determine the role of this variant in disease. Therefore, it has been classified as a Variant of Uncertain Significance. Algorithms developed to predict the effect of missense changes on protein structure and function (SIFT, PolyPhen-2, Align-GVGD) all suggest that this variant is likely to be disruptive. This variant has not been reported in the literature in individuals affected with MALT1-related conditions. This variant is not present in population databases (gnomAD no frequency). This sequence change replaces proline, which is neutral and non-polar, with serine, which is neutral and polar, at codon 563 of the MALT1 protein (p.Pro563Ser).

NM_006785.4(MALT1):c.1687C>T (p.Pro563Ser)

Gene: MALT1 (MALT1 paracaspase; plus strand). Cytogenetic location: 18q21.32.
Variant type: single nucleotide variant.
Coding change: c.1687C>T on transcript NM_006785.4 (MANE Select); coding-DNA position 1687, C replaced by T.
Protein change: p.Pro563Ser; replaces proline 563 with serine.
Molecular consequence: missense variant.
Genome position (GRCh38, 1-based): chr18:58,741,948, C>T. VCF-style: chr18-58741948-C-T. GRCh37 (hg19) VCF-style: chr18-56409180-C-T.
Other names: c.1654C>T, p.Pro552Ser (NM_173844.3); short protein forms P552S, P563S.
Identifiers: ClinVar variation 1466279 (VCV001466279.6), dbSNP rs930567184, ClinGen allele CA300943075.